The following is an entry in ClinVar:

ClinVar aggregate classification (germline): Uncertain significance. Review status: criteria provided, multiple submitters, no conflicts (2 of 4 stars). 2 submissions from 2 submitters: Uncertain significance (2). Last evaluated 2019-03-31.

Conditions:
Waardenburg syndrome type 4C (WS4C). Also called: WAARDENBURG SYNDROME WITH HIRSCHSPRUNG DISEASE, TYPE 4C. Identifiers: Orphanet 897, MedGen C2750452, MONDO:0013202, OMIM 613266.

Allele frequency attached by ClinVar (database versions not stated): gnomAD 0.00001.

Submissions (2):

Centre for Mendelian Genomics, University Medical Centre Ljubljana
Classification: Uncertain significance for Waardenburg syndrome type 4C. Last evaluated: 2019-03-31. Review status: criteria provided, single submitter. Criteria: ACMG Guidelines, 2015. Collection method: clinical testing. Allele origin: unknown. Affected: yes.
Comment: This variant was classified as: Uncertain significance. The following ACMG criteria were applied in classifying this variant: PM2,PP3.

Breakthrough Genomics
Classification: Uncertain significance. Review status: criteria provided, single submitter. Criteria: ACMG Guidelines, 2015. Collection method: not provided. Allele origin: germline. Inheritance: Autosomal dominant inheritance. Affected: yes.

NM_006941.4(SOX10):c.718A>C (p.Thr240Pro)

Genes: POLR2F (RNA polymerase II, I and III subunit F; plus strand), SOX10 (SRY-box transcription factor 10; minus strand). Cytogenetic location: 22q13.1.
Variant type: single nucleotide variant.
Coding change: c.718A>C on transcript NM_006941.4 (MANE Select); coding-DNA position 718, A replaced by C.
Protein change: p.Thr240Pro; replaces threonine 240 with proline.
Molecular consequence: missense variant. On other transcripts: intron variant (3).
Genome position (GRCh38, 1-based): chr22:37,974,178, T>G on the plus strand (A>C on the coding strand, the complement: SOX10 is on the minus strand). VCF-style: chr22-37974178-T-G. GRCh37 (hg19) VCF-style: chr22-38370185-T-G.
Other names: c.*38+1868T>G (NM_001363825.1); c.293+7008T>G (NM_001301130.2, NM_001301131.2); short protein forms T240P.
Identifiers: ClinVar variation 931522 (VCV000931522.6), dbSNP rs1332625359, ClinGen allele CA411494766.